The following is an entry in ClinVar:

NM_003482.4(KMT2D):c.14016G>C (p.Lys4672Asn)

Gene: KMT2D (lysine methyltransferase 2D; minus strand). Cytogenetic location: 12q13.12.
Variant type: single nucleotide variant.
Coding change: c.14016G>C on transcript NM_003482.4 (MANE Select); coding-DNA position 14016, G replaced by C.
Protein change: p.Lys4672Asn; replaces lysine 4672 with asparagine.
Molecular consequence: missense variant.
Genome position (GRCh38, 1-based): chr12:49,029,460, C>G on the plus strand (G>C on the coding strand, the complement: KMT2D is on the minus strand). VCF-style: chr12-49029460-C-G. GRCh37 (hg19) VCF-style: chr12-49423243-C-G.
Other names: short protein forms K4672N.
Identifiers: ClinVar variation 2056112 (VCV002056112.6), dbSNP rs761637319, ClinGen allele CA6545841.

ClinVar aggregate classification (germline): Conflicting classifications of pathogenicity. Review status: criteria provided, conflicting classifications (1 of 4 stars). 3 submissions from 3 submitters: Uncertain significance (1); Likely benign (2). Last evaluated 2025-08-03.

Conditions:
Kabuki syndrome. Also called: Kabuki make-up syndrome; NIIKAWA-KUROKI SYNDROME. Identifiers: Orphanet 2322, MedGen C0796004, MONDO:0016512.
Kabuki syndrome 1 (KABUK1). Also called: KMT2D-Related Kabuki Syndrome. Identifiers: Orphanet 2322, MedGen CN030661, MONDO:0007843, OMIM 147920.
Choanal atresia-athelia-hypothyroidism-delayed puberty-short stature syndrome (BCAHH). Also called: BRANCHIAL ARCH ABNORMALITIES, CHOANAL ATRESIA, ATHELIA, HEARING LOSS, AND HYPOTHYROIDISM SYNDROME. Identifiers: Orphanet 589856, MedGen C5680310, MONDO:0035651, OMIM 620186.
KMT2D-related disorder. Also called: KMT2D-Related Disorders.

Allele frequency attached by ClinVar (database versions not stated): gnomAD 0.00001; TOPMed 0.00001; gnomAD exomes 0.00002.
gnomAD v4.1: 28 of 1,555,958 alleles (0.0018%); highest among the groups gnomAD compares: Non-Finnish European, 0.0024%; no homozygotes.

Submissions (3):

Labcorp Genetics (formerly Invitae), Labcorp
Classification: Likely benign for Kabuki syndrome. Last evaluated: 2025-08-03. Review status: criteria provided, single submitter. Criteria: Invitae Variant Classification Sherloc (09022015). Collection method: clinical testing. Allele origin: germline.

PreventionGenetics, part of Exact Sciences
Classification: Likely benign for KMT2D-related condition. Last evaluated: 2025-02-06. Review status: criteria provided, single submitter. Criteria: ACMG Guidelines, 2015. Collection method: clinical testing. Allele origin: germline.
Comment: This variant is classified as likely benign based on ACMG/AMP sequence variant interpretation guidelines (Richards et al. 2015 PMID: 25741868, with internal and published modifications).

Fulgent Genetics
Classification: Uncertain significance for Kabuki syndrome 1; Choanal atresia-athelia-hypothyroidism-delayed puberty-short stature syndrome. Last evaluated: 2024-05-31. Review status: criteria provided, single submitter. Criteria: ACMG Guidelines, 2015. Collection method: clinical testing. Allele origin: germline.